The following is an entry in ClinVar:

ClinVar aggregate classification (germline): Pathogenic. Review status: criteria provided, multiple submitters, no conflicts (2 of 4 stars). 2 submissions from 2 submitters: Pathogenic (2). Last evaluated 2025-08-29.

Conditions:
Osteogenesis imperfecta type 8 (OI8). Identifiers: MedGen C1970458, MONDO:0012581, OMIM 610915.

Allele frequency attached by ClinVar (database versions not stated): gnomAD exomes below 0.00001; gnomAD 0.00001; TOPMed 0.00002.
gnomAD v4.1: 2 of 1,614,076 alleles (0.00012%); highest among the groups gnomAD compares: Non-Finnish European, 0.00017%; no homozygotes.

Submissions (2):

Labcorp Genetics (formerly Invitae), Labcorp
Classification: Pathogenic for Osteogenesis imperfecta type 8. Last evaluated: 2025-08-29. Review status: criteria provided, single submitter. Criteria: Invitae Variant Classification Sherloc (09022015). Collection method: clinical testing. Allele origin: germline.
Comment: This sequence change creates a premature translational stop signal (p.Gln222*) in the P3H1 gene. It is expected to result in an absent or disrupted protein product. Loss-of-function variants in P3H1 are known to be pathogenic (PMID: 17277775, 18566967, 19088120, 22281939). This variant is present in population databases (no rsID available, gnomAD 0.0009%). This variant has not been reported in the literature in individuals affected with P3H1-related conditions. ClinVar contains an entry for this variant (Variation ID: 994259). For these reasons, this variant has been classified as Pathogenic.

ARUP Laboratories, Molecular Genetics and Genomics, ARUP Laboratories
Classification: Pathogenic for Osteogenesis imperfecta type 8. Last evaluated: 2020-02-16. Review status: criteria provided, single submitter. Criteria: ARUP Molecular Germline Variant Investigation Process. Collection method: clinical testing. Allele origin: germline.
Comment: The P3H1 c.664C>T; p.Gln222Ter variant (rs1214987088), to our knowledge, is not reported in the medical literature or gene specific databases. This variant is only observed on one allele in the Genome Aggregation Database, indicating it is not a common polymorphism. This variant induces an early termination codon and is predicted to result in a truncated protein or mRNA subject to nonsense-mediated decay. Additionally, several downstream truncating variants have been described in individuals with osteogenesis imperfecta and are considered pathogenic (Baldridge 2008, Pepin 2013). Based on available information, this variant is considered to be pathogenic. References: Baldridge D et al. CRTAP and LEPRE1 mutations in recessive osteogenesis imperfecta. Hum Mutat. 2008 Dec;29(12):1435-42. Pepin MG et al. Allelic background of LEPRE1 mutations that cause recessive forms of osteogenesis imperfecta in different populations. Mol Genet Genomic Med. 2013 Nov;1(4):194-205.

Literature cited by the submitters: PubMed 17277775 (cited by Labcorp Genetics (formerly Invitae), Labcorp); PubMed 18566967 (cited by Labcorp Genetics (formerly Invitae), Labcorp); PubMed 19088120 (cited by Labcorp Genetics (formerly Invitae), Labcorp); PubMed 22281939 (cited by Labcorp Genetics (formerly Invitae), Labcorp).

NM_022356.4(P3H1):c.664C>T (p.Gln222Ter)

Gene: P3H1 (prolyl 3-hydroxylase 1; minus strand). Cytogenetic location: 1p34.2.
Variant type: single nucleotide variant.
Coding change: c.664C>T on transcript NM_022356.4 (MANE Select); coding-DNA position 664, C replaced by T.
Protein change: p.Gln222Ter; replaces glutamine 222 with a stop codon.
Molecular consequence: nonsense.
Genome position (GRCh38, 1-based): chr1:42,759,345, G>A on the plus strand (C>T on the coding strand, the complement: P3H1 is on the minus strand). VCF-style: chr1-42759345-G-A. GRCh37 (hg19) VCF-style: chr1-43225016-G-A.
Other names: c.664C>T, p.Gln222Ter (NM_001146289.2, NM_001243246.2); short protein forms Q222*.
Identifiers: ClinVar variation 994259 (VCV000994259.11), dbSNP rs1214987088, ClinGen allele CA339960201.